The following is an entry in ClinVar:

ClinVar aggregate classification (germline): Uncertain significance (1 of 4 stars; one submission).

Submission:

Labcorp Genetics (formerly Invitae), Labcorp
Classification: Uncertain significance. Last evaluated: 2024-10-28. Review status: criteria provided, single submitter. Criteria: Invitae Variant Classification Sherloc (09022015). Collection method: clinical testing. Allele origin: germline.
Comment: This sequence change replaces threonine, which is neutral and polar, with lysine, which is basic and polar, at codon 2083 of the KMT2B protein (p.Thr2083Lys). This variant is not present in population databases (gnomAD no frequency). This variant has not been reported in the literature in individuals affected with KMT2B-related conditions. Invitae Evidence Modeling of protein sequence and biophysical properties (such as structural, functional, and spatial information, amino acid conservation, physicochemical variation, residue mobility, and thermodynamic stability) indicates that this missense variant is not expected to disrupt KMT2B protein function with a negative predictive value of 95%. In summary, the available evidence is currently insufficient to determine the role of this variant in disease. Therefore, it has been classified as a Variant of Uncertain Significance.

NM_014727.3(KMT2B):c.6248C>A (p.Thr2083Lys)

Gene: KMT2B (lysine methyltransferase 2B; plus strand). Cytogenetic location: 19q13.12.
Variant type: single nucleotide variant.
Coding change: c.6248C>A on transcript NM_014727.3 (MANE Select); coding-DNA position 6248, C replaced by A.
Protein change: p.Thr2083Lys; replaces threonine 2083 with lysine.
Molecular consequence: missense variant.
Genome position (GRCh38, 1-based): chr19:35,732,797, C>A. VCF-style: chr19-35732797-C-A. GRCh37 (hg19) VCF-style: chr19-36223698-C-A.
Other names: short protein forms T2083K.
Identifiers: ClinVar variation 3662438 (VCV003662438.2).
Genomic context (GRCh38, chr19:35,732,797, plus strand): 5'-GCGTGGACGACGGCACTGACAGTGAGGCTGAGGCGGTGCAGCAGCCTCGGGGCCAGGGCA[C>A]GCCTCCTTCGGGGCCAGGAGTAGTCCGGGCAGGGGTCCTTGGGGCTGCAGGGGACAGGGC-3'
Protein context (NP_055542.1, residues 2073-2093): EAVQQPRGQG[Thr2083Lys]PPSGPGVVRA